The following is an entry in ClinVar:

ClinVar aggregate classification (germline): Uncertain significance (1 of 4 stars; one submission).

Allele frequency attached by ClinVar (database versions not stated): TOPMed 0.00008; gnomAD exomes 0.00011; gnomAD 0.00012; ExAC 0.00013; 1000 Genomes Project 30x 0.00062; 1000 Genomes Project 0.00080.

Submission:

Labcorp Genetics (formerly Invitae), Labcorp
Classification: Uncertain significance. Last evaluated: 2024-10-16. Review status: criteria provided, single submitter. Criteria: Invitae Variant Classification Sherloc (09022015). Collection method: clinical testing. Allele origin: germline.
Comment: This sequence change replaces alanine, which is neutral and non-polar, with valine, which is neutral and non-polar, at codon 13 of the NDUFA6 protein (p.Ala13Val). This variant is present in population databases (rs141466836, gnomAD 0.06%), including at least one homozygous and/or hemizygous individual. This variant has not been reported in the literature in individuals affected with NDUFA6-related conditions. ClinVar contains an entry for this variant (Variation ID: 1898804). An algorithm developed to predict the effect of missense changes on protein structure and function (PolyPhen-2) suggests that this variant¬†is likely to be tolerated. In summary, the available evidence is currently insufficient to determine the role of this variant in disease. Therefore, it has been classified as a Variant of Uncertain Significance.

NC_000022.11:g.42090785G>A

Gene: NDUFA6 (NADH:ubiquinone oxidoreductase subunit A6; minus strand). Cytogenetic location: 22q13.2.
Variant type: single nucleotide variant.
Genome position: GRCh38 VCF-style: chr22-42090785-G-A. GRCh37 (hg19) VCF-style: chr22-42486789-G-A.
Identifiers: ClinVar variation 1898804 (VCV001898804.3), dbSNP rs141466836, ClinGen allele CA10264466.